The following is an entry in ClinVar:

NM_001195.5(BFSP1):c.641C>T (p.Thr214Met)

Gene: BFSP1 (beaded filament structural protein 1; minus strand). Cytogenetic location: 20p12.1.
Variant type: single nucleotide variant.
Coding change: c.641C>T on transcript NM_001195.5 (MANE Select); coding-DNA position 641, C replaced by T.
Protein change: p.Thr214Met; replaces threonine 214 with methionine.
Molecular consequence: missense variant. On other transcripts: intron variant (1).
Genome position (GRCh38, 1-based): chr20:17,508,983, G>A on the plus strand (C>T on the coding strand, the complement: BFSP1 is on the minus strand). VCF-style: chr20-17508983-G-A. GRCh37 (hg19) VCF-style: chr20-17489628-G-A.
Other names: c.266C>T, p.Thr89Met (NM_001161705.2); c.224C>T, p.Thr75Met (NM_001278606.2, NM_001278608.2); c.308C>T, p.Thr103Met (NM_001278607.2); c.627+2993C>T (NM_001424338.1); short protein forms T214M, T75M, T103M, T89M.
Identifiers: ClinVar variation 3480514 (VCV003480514.2).

ClinVar aggregate classification (germline): Uncertain significance. Review status: criteria provided, multiple submitters, no conflicts (2 of 4 stars). 2 submissions from 2 submitters: Uncertain significance (2). Last evaluated 2025-04-26.

Conditions:
Cataract 33. Also called: CATARACT 33, CORTICAL. Identifiers: Orphanet 91492, MedGen C3808107, MONDO:0012665, OMIM 611391.
Inborn genetic diseases. Identifiers: MedGen C0950123, MeSH D030342.

gnomAD v4.1: 32 of 1,586,262 alleles (0.002%); highest among the groups gnomAD compares: South Asian, 0.012%; no homozygotes.

Submissions (2):

Labcorp Genetics (formerly Invitae), Labcorp
Classification: Uncertain significance for Cataract 33. Last evaluated: 2025-04-26. Review status: criteria provided, single submitter. Criteria: Invitae Variant Classification Sherloc (09022015). Collection method: clinical testing. Allele origin: germline.
Comment: This sequence change replaces threonine, which is neutral and polar, with methionine, which is neutral and non-polar, at codon 214 of the BFSP1 protein (p.Thr214Met). The frequency data for this variant in the population databases is considered unreliable, as metrics indicate poor data quality at this position in the gnomAD database. This variant has not been reported in the literature in individuals affected with BFSP1-related conditions. ClinVar contains an entry for this variant (Variation ID: 3480514). Invitae Evidence Modeling of protein sequence and biophysical properties (such as structural, functional, and spatial information, amino acid conservation, physicochemical variation, residue mobility, and thermodynamic stability) indicates that this missense variant is not expected to disrupt BFSP1 protein function with a negative predictive value of 80%. In summary, the available evidence is currently insufficient to determine the role of this variant in disease. Therefore, it has been classified as a Variant of Uncertain Significance.

Ambry Genetics
Classification: Uncertain significance for Inborn genetic diseases. Last evaluated: 2024-08-20. Review status: criteria provided, single submitter. Criteria: Ambry Variant Classification Scheme 2023. Collection method: clinical testing. Allele origin: germline.